The following is an entry in ClinVar:

ClinVar aggregate classification (germline): Uncertain significance (1 of 4 stars; one submission).

Submission:

GeneDx
Classification: Uncertain significance. Last evaluated: 2023-03-13. Review status: criteria provided, single submitter. Criteria: GeneDx Variant Classification Process June 2021. Collection method: clinical testing. Allele origin: germline. Affected: yes.
Comment: Not observed at significant frequency in large population cohorts (gnomAD); Missense variants in this gene are often considered pathogenic (HGMD); In silico analysis supports that this missense variant does not alter protein structure/function; Has not been previously published as pathogenic or benign to our knowledge

NM_001184880.2(PCDH19):c.1228C>G (p.Arg410Gly)

Gene: PCDH19 (protocadherin 19; minus strand). Cytogenetic location: Xq22.1.
Variant type: single nucleotide variant.
Coding change: c.1228C>G on transcript NM_001184880.2 (MANE Select); coding-DNA position 1228, C replaced by G.
Protein change: p.Arg410Gly; replaces arginine 410 with glycine.
Molecular consequence: missense variant.
Genome position (GRCh38, 1-based): chrX:100,407,370, G>C on the plus strand (C>G on the coding strand, the complement: PCDH19 is on the minus strand). VCF-style: chrX-100407370-G-C. GRCh37 (hg19) VCF-style: chrX-99662368-G-C.
Other names: c.1228C>G, p.Arg410Gly (NM_001105243.2, NM_020766.3); short protein forms R410G.
Identifiers: ClinVar variation 2579856 (VCV002579856.1), dbSNP rs2520984598, ClinGen allele CA414003565.